The following is an entry in ClinVar:

ClinVar aggregate classification (germline): Likely benign (1 of 4 stars; one submission).

gnomAD v4.1: 340 of 1,614,128 alleles (0.021%); highest among the groups gnomAD compares: Middle Eastern, 0.066%; 1 homozygote.

Submission:

CeGaT Center for Human Genetics Tuebingen
Classification: Likely benign. Last evaluated: 2026-08-01. Review status: criteria provided, single submitter. Criteria: CeGaT Center For Human Genetics Tuebingen Variant Classification Criteria Version 2. Collection method: clinical testing. Allele origin: germline. Affected: yes. Observed: 2 variant alleles.
Comment: GTF3C5: BP4, BP7

NM_012087.4(GTF3C5):c.1011G>A (p.Pro337=)

Gene: GTF3C5 (general transcription factor IIIC subunit 5; plus strand). Cytogenetic location: 9q34.13.
Variant type: single nucleotide variant.
Coding change: c.1011G>A on transcript NM_012087.4 (MANE Select); coding-DNA position 1011, G replaced by A.
Protein change: p.Pro337=; no amino-acid change (proline 337 retained).
Molecular consequence: synonymous variant.
Genome position (GRCh38, 1-based): chr9:133,054,430, G>A. VCF-style: chr9-133054430-G-A. GRCh37 (hg19) VCF-style: chr9-135929817-G-A.
Other names: c.1011G>A, p.Pro337= (NM_001122823.2); c.489G>A, p.Pro163= (NM_001286709.2).
Identifiers: ClinVar variation 3777848 (VCV003777848.7).
Genomic context (GRCh38, chr9:133,054,430, plus strand): 5'-TGTGCCCGCCCACCTGACTTGCCCGCCCTCGCCTACAGGTTACGCCCCCAGTGACTTGCC[G>A]GTCAAAGCAAAGCGCAGCACCTACAACTACAGCCTCCCCATCACCGTCAAGAAGACATGT-3'
Protein context (NP_036219.2, residues 327-347): MKHGYAPSDL[Pro337=]VKAKRSTYNY